The following is an entry in ClinVar:

ClinVar aggregate classification (germline): Uncertain significance (1 of 4 stars; one submission).

Submission:

Ambry Genetics
Classification: Uncertain significance. Last evaluated: 2026-06-23. Review status: criteria provided, single submitter. Criteria: Ambry Variant Classification Scheme 2023. Collection method: clinical testing. Allele origin: germline.
Comment: The c.521T>C (p.M174T) alteration is located in exon 4 (coding exon 4) of the GSTT2 gene. This alteration results from a T to C substitution at nucleotide position 521, causing the methionine (M) at amino acid position 174 to be replaced by a threonine (T). Based on data from gnomAD, the C allele has an overall frequency of <0.001% (0/56526) total alleles studied. The highest observed frequency was <0.001% (/) of alleles. Based on insufficient or conflicting evidence, the clinical significance of this alteration remains unclear.

NM_000854.3(GSTT2):c.521T>C

Gene: GSTT2 (glutathione S-transferase theta 2 (gene/pseudogene); plus strand). Cytogenetic location: 22q11.23.
Variant type: single nucleotide variant.
Coding change: c.521T>C on transcript NM_000854.3; coding-DNA position 521, T replaced by C.
Molecular consequence: non-coding transcript variant (on NR_126445.2).
Genome position (GRCh38, 1-based): chr22:23,983,040, T>C. VCF-style: chr22-23983040-T-C. GRCh37 (hg19) VCF-style: chr22-24325231-T-C.
Identifiers: ClinVar variation 5022545 (VCV005022545.1).